The following is an entry in ClinVar:

NM_001081.4(CUBN):c.3814del (p.Ala1272fs)

Gene: CUBN (cubilin; minus strand). Cytogenetic location: 10p13.
Variant type: Deletion.
Coding change: c.3814del on transcript NM_001081.4 (MANE Select); coding-DNA position 3814, one base deleted (G; older notation c.3814delG).
Protein change: p.Ala1272fs; shifts the reading frame from alanine 1272.
Molecular consequence: frameshift variant.
Genome position (GRCh38, 1-based): chr10:17,043,842, C deleted on the plus strand (G on the coding strand, the reverse complement: CUBN is on the minus strand); the first of 2 consecutive C bases (chr10:17,043,842-17,043,843); deleting either gives the same sequence. VCF-style (leftmost placement, unchanged base first): chr10-17043841-GC-G. GRCh37 (hg19) VCF-style: chr10-17085840-GC-G.
Other names: short protein forms A1272fs.
Identifiers: ClinVar variation 4879585 (VCV004879585.1).

ClinVar aggregate classification (germline): Pathogenic (1 of 4 stars; one submission).

Conditions:
Imerslund-Grasbeck syndrome type 1 (IGS1). Also called: Megaloblastic anemia 1, Finnish type; MEGALOBLASTIC ANEMIA, 1; Imerslund-Gräsbeck syndrome 1. Identifiers: MedGen C4016819, MONDO:0100156, OMIM 261100.

Submission:

Victorian Clinical Genetics Services, Murdoch Childrens Research Institute
Classification: Pathogenic for Imerslund-Grasbeck syndrome type 1. Last evaluated: 2026-02-20. Review status: criteria provided, single submitter. Criteria: ACMG Guidelines, 2015. Collection method: clinical testing. Allele origin: germline. Affected: yes.
Comment: This variant is classified as Pathogenic. Evidence in support of pathogenic classification: Variant is predicted to cause nonsense-mediated decay (NMD) and loss of protein (premature termination codon is located at least 54 nucleotides upstream of the final exon-exon junction); Variant is absent from gnomAD (v2, v3 and v4); Other NMD variants comparable to the one identified in this case have very strong previous evidence for pathogenicity (ClinVar). Additional information: This variant is heterozygous; This gene is associated with autosomal recessive disease; This variant has no previous evidence of pathogenicity; No published evidence of segregation with disease has been identified for this variant; No published functional evidence has been identified for this variant; Loss of function is a known mechanism of disease in this gene and is associated with proteinuria, chronic benign (MIM#618884), and Imerslund-Grasbeck syndrome 1 (MIM#261100). Variants downstream of the vitamin B12/IF-binding domain are associated with isolated proteinuria (PMID: 31613795); Inheritance information for this variant is not currently available in this individual.

Literature cited by the submitters: PubMed 31613795.